The following is an entry in ClinVar:

NM_013382.7(POMT2):c.*2091G>T

Gene: POMT2 (protein O-mannosyltransferase 2; minus strand). Cytogenetic location: 14q24.3.
Variant type: single nucleotide variant.
Coding change: c.*2091G>T on transcript NM_013382.7 (MANE Select); 2091 bases downstream of the stop codon, G replaced by T.
Molecular consequence: 3 prime UTR variant.
Genome position (GRCh38, 1-based): chr14:77,275,285, C>A on the plus strand (G>T on the coding strand, the complement: POMT2 is on the minus strand). VCF-style: chr14-77275285-C-A. GRCh37 (hg19) VCF-style: chr14-77741628-C-A.
Identifiers: ClinVar variation 314512 (VCV000314512.5), dbSNP rs139493728, ClinGen allele CA10645012.

ClinVar aggregate classification (germline): Likely benign (1 of 4 stars; one submission).

Conditions:
Autosomal recessive limb-girdle muscular dystrophy type 2N. Also called: MUSCULAR DYSTROPHY-DYSTROGLYCANOPATHY, LIMB-GIRDLE, POMT2-RELATED; Muscular dystrophy-dystroglycanopathy (limb-girdle), type C, 2. Identifiers: Orphanet 206559, MedGen C3150418, MONDO:0013162, OMIM 613158.

Allele frequency attached by ClinVar (database versions not stated): 1000 Genomes Project 0.00719; 1000 Genomes Project 30x 0.00750; gnomAD 0.00752 and 0.00821; TOPMed 0.00895.

Submission:

Illumina Laboratory Services, Illumina
Classification: Likely benign for Autosomal recessive limb-girdle muscular dystrophy type 2N. Last evaluated: 2018-01-12. Review status: criteria provided, single submitter. Criteria: ICSL Variant Classification Criteria 13 December 2019. Collection method: clinical testing. Allele origin: germline.
Comment: This variant was observed in the ICSL laboratory as part of a predisposition screen in an ostensibly healthy population. It had not been previously curated by ICSL or reported in the Human Gene Mutation Database (HGMD: prior to June 1st, 2018), and was therefore a candidate for classification through an automated scoring system. Utilizing variant allele frequency, disease prevalence and penetrance estimates, and inheritance mode, an automated score was calculated to assess if this variant is too frequent to cause the disease. Based on the score and internal cut-off values, a variant classified as likely benign is not then subjected to further curation. The score for this variant resulted in a classification of likely benign for this disease.